The following is an entry in ClinVar:

ClinVar aggregate classification (germline): Uncertain significance. Review status: criteria provided, multiple submitters, no conflicts (2 of 4 stars). 2 submissions from 2 submitters: Uncertain significance (2). Last evaluated 2026-05-01.

Conditions:
Breast-ovarian cancer, familial, susceptibility to, 2 (BROVCA2). Also called: BRCA2 Hereditary Breast and Ovarian Cancer. Identifiers: Orphanet 145, MedGen C2675520, MONDO:0012933, OMIM 612555. Disease mechanism: loss of function.
Hereditary breast ovarian cancer syndrome. Also called: Hereditary breast and ovarian cancer syndrome; Hereditary breast and ovarian cancer; Hereditary breast and ovarian cancer syndrome (HBOC); Breast and ovarian cancer; Hereditary breast and/or ovarian cancer syndrome; BRCA1- and BRCA2-Associated Hereditary Breast and Ovarian Cancer. Identifiers: Orphanet 145, MedGen C0677776, MeSH D061325, MONDO:0003582. Disease mechanism: loss of function.

gnomAD v4.1: 1 of 1,613,272 alleles (0.000062%); highest among the groups gnomAD compares: Non-Finnish European, 0.000085%; no homozygotes.

Submissions (2):

Cancer Bioinformatics and Tumour Evolution Laboratory, Monash University
Classification: Uncertain significance for Breast-ovarian cancer, familial, susceptibility to, 2. Last evaluated: 2026-05-01. Review status: criteria provided, single submitter. Criteria: ClinGen BRCA1 and BRCA2 Guidelines, 2024. Collection method: curation. Allele origin: germline. Inheritance: Autosomal dominant inheritance.
Comment: The variant is in the functional domain (DNA Binding domain). BayesDel score is -0.219598, which means no impact is predicted. Hence, BP4 is applied in accordance with BRCA1 and BRCA2 VCEP guidelines. PMID: 39779848 - SGE on mES cells. This variant was strongly pathogenic. Other missense variants in this position were very strongly benign. Based on this PS3 is applied. To resolve contradictory evidence codes, the points system rcommended by the bRCA1 and BRCA2 VCEP is used. +4 points for strong pathogenic criterion and -1 for supporting benign. Total 3 points, which leads to a VUS classification.

Labcorp Genetics (formerly Invitae), Labcorp
Classification: Uncertain significance for Hereditary breast ovarian cancer syndrome. Last evaluated: 2025-11-14. Review status: criteria provided, single submitter. Criteria: Invitae Variant Classification Sherloc (09022015). Collection method: clinical testing. Allele origin: germline.
Comment: This sequence change replaces threonine, which is neutral and polar, with isoleucine, which is neutral and non-polar, at codon 2968 of the BRCA2 protein (p.Thr2968Ile). This variant is not present in population databases (gnomAD no frequency). This variant has not been reported in the literature in individuals affected with BRCA2-related conditions. Invitae Evidence Modeling of protein sequence and biophysical properties (such as structural, functional, and spatial information, amino acid conservation, physicochemical variation, residue mobility, and thermodynamic stability) indicates that this missense variant is not expected to disrupt BRCA2 protein function with a negative predictive value of 95%. In summary, the available evidence is currently insufficient to determine the role of this variant in disease. Therefore, it has been classified as a Variant of Uncertain Significance.

Literature cited by the submitters: PubMed 39779848 (cited by Cancer Bioinformatics and Tumour Evolution Laboratory, Monash University).

NM_000059.4(BRCA2):c.8903C>T (p.Thr2968Ile)

Gene: BRCA2 (BRCA2 DNA repair associated; plus strand). Cytogenetic location: 13q13.1.
Variant type: single nucleotide variant.
Coding change: c.8903C>T on transcript NM_000059.4 (MANE Select); coding-DNA position 8903, C replaced by T.
Protein change: p.Thr2968Ile; replaces threonine 2968 with isoleucine.
Molecular consequence: missense variant. On other transcripts: non-coding transcript variant (1).
Genome position (GRCh38, 1-based): chr13:32,379,465, C>T. VCF-style: chr13-32379465-C-T. GRCh37 (hg19) VCF-style: chr13-32953602-C-T.
Other names: c.8807C>T, p.Thr2936Ile (NM_001406719.1); c.8903C>T, p.Thr2968Ile (NM_001406720.1, NM_001432077.1); c.3971C>T, p.Thr1324Ile (NM_001406721.1); c.2486C>T, p.Thr829Ile (NM_001406722.1); short protein forms T1324I, T2936I, T2968I, T829I.
Identifiers: ClinVar variation 4802358 (VCV004802358.2).
Genomic context (GRCh38, chr13:32,379,465, plus strand): 5'-TTAGGAAGGCCATGGAATCTGCTGAACAAAAGGAACAAGGTTTATCAAGGGATGTCACAA[C>T]CGTGTGGAAGTTGCGTATTGTAAGCTATTCAAAAAAAGAAAAAGATTCAGGTAAGTATGT-3'
Protein context (NP_000050.3, residues 2958-2978): KEQGLSRDVT[Thr2968Ile]VWKLRIVSYS